The following is an entry in ClinVar:

ClinVar aggregate classification (germline): Uncertain significance (0 of 4 stars; one submission).

Conditions:
Prostate cancer. Also called: Malignant tumor of prostate. Identifiers: Orphanet 1331, MedGen C0376358, MONDO:0008315, HP:0012125.

Submission:

Science for Life laboratory,  Karolinska Institutet
Classification: Uncertain significance for Malignant tumor of prostate. Review status: no assertion criteria provided. Collection method: not provided. Allele origin: somatic.
Comment: TumorID:SWE-91B
ClinVar note: Converted during submission from Unknown to Uncertain significance.

NM_005762.3(TRIM28):c.2193+3G>T

Gene: TRIM28 (tripartite motif containing 28; plus strand). Cytogenetic location: 19q13.43.
Variant type: single nucleotide variant.
Coding change: c.2193+3G>T on transcript NM_005762.3 (MANE Select); 3 bases into the intron after coding-DNA position 2193, G replaced by T.
Molecular consequence: intron variant.
Genome position (GRCh38, 1-based): chr19:58,550,038, G>T. VCF-style: chr19-58550038-G-T. GRCh37 (hg19) VCF-style: chr19-59061405-G-T.
Identifiers: ClinVar variation 161641 (VCV000161641.2), dbSNP rs193921106, ClinGen allele CA174514.